The following is an entry in ClinVar:

ClinVar aggregate classification (germline): Uncertain significance (1 of 4 stars; one submission).

Conditions:
Deficiency of adenosine deaminase 2. Also called: Polyarteritis nodosa, childhoood-onset; Adenosine Deaminase 2 Deficiency; VASCULITIS, AUTOINFLAMMATION, IMMUNODEFICIENCY, AND HEMATOLOGIC DEFECTS SYNDROME. Identifiers: Orphanet 404553, MedGen C3887654, MONDO:0014306, OMIM 615688, MONDO:0100317.

Allele frequency attached by ClinVar (database versions not stated): TOPMed below 0.00001; gnomAD 0.00001.

Submission:

Labcorp Genetics (formerly Invitae), Labcorp
Classification: Uncertain significance for Deficiency of adenosine deaminase 2. Last evaluated: 2020-12-19. Review status: criteria provided, single submitter. Criteria: Invitae Variant Classification Sherloc (09022015). Collection method: clinical testing. Allele origin: germline.
Comment: In summary, the available evidence is currently insufficient to determine the role of this variant in disease. Therefore, it has been classified as a Variant of Uncertain Significance. Algorithms developed to predict the effect of missense changes on protein structure and function output the following: SIFT: "Tolerated"; PolyPhen-2: "Benign"; Align-GVGD: "Class C0". The leucine amino acid residue is found in multiple mammalian species, suggesting that this missense change does not adversely affect protein function. These predictions have not been confirmed by published functional studies and their clinical significance is uncertain. This variant has not been reported in the literature in individuals with ADA2-related conditions. This variant is not present in population databases (ExAC no frequency). This sequence change replaces valine with leucine at codon 172 of the ADA2 protein (p.Val172Leu). The valine residue is weakly conserved and there is a small physicochemical difference between valine and leucine.

NM_001282225.2(ADA2):c.514G>C (p.Val172Leu)

Gene: ADA2 (adenosine deaminase 2; minus strand). Cytogenetic location: 22q11.1.
Variant type: single nucleotide variant.
Coding change: c.514G>C on transcript NM_001282225.2 (MANE Select); coding-DNA position 514, G replaced by C.
Protein change: p.Val172Leu; replaces valine 172 with leucine.
Molecular consequence: missense variant.
Genome position (GRCh38, 1-based): chr22:17,207,099, C>G on the plus strand (G>C on the coding strand, the complement: ADA2 is on the minus strand). VCF-style: chr22-17207099-C-G. GRCh37 (hg19) VCF-style: chr22-17687989-C-G.
Other names: c.514G>C, p.Val172Leu (NM_001282226.2); c.388G>C, p.Val130Leu (NM_001282227.2, NM_001282228.2); c.154G>C, p.Val52Leu (NM_001282229.2); short protein forms V130L, V172L, V52L.
Identifiers: ClinVar variation 1444122 (VCV001444122.8), dbSNP rs1245539035, ClinGen allele CA410229543.